The following is an entry in ClinVar:

NM_001354930.2(RIPK1):c.189G>C (p.Glu63Asp)

Gene: RIPK1 (receptor interacting serine/threonine kinase 1; plus strand). Cytogenetic location: 6p25.2.
Variant type: single nucleotide variant.
Coding change: c.189G>C on transcript NM_001354930.2 (MANE Select); coding-DNA position 189, G replaced by C.
Protein change: p.Glu63Asp; replaces glutamic acid 63 with aspartic acid.
Molecular consequence: missense variant. On other transcripts: 5 prime UTR variant (4).
Genome position (GRCh38, 1-based): chr6:3,077,803, G>C. VCF-style: chr6-3077803-G-C. GRCh37 (hg19) VCF-style: chr6-3078037-G-C.
Other names: c.-415G>C (NM_001317061.3, NM_001354932.2, NM_001354933.2 and 1 more transcripts); c.189G>C, p.Glu63Asp (NM_001354931.2, NM_003804.6); short protein forms E63D.
Identifiers: ClinVar variation 3696181 (VCV003696181.2).

ClinVar aggregate classification (germline): Uncertain significance (1 of 4 stars; one submission).

gnomAD v4.1: 2 of 1,614,106 alleles (0.00012%); highest among the groups gnomAD compares: African/African-American, 0.0027%; no homozygotes.

Submission:

Labcorp Genetics (formerly Invitae), Labcorp
Classification: Uncertain significance. Last evaluated: 2025-02-04. Review status: criteria provided, single submitter. Criteria: Invitae Variant Classification Sherloc (09022015). Collection method: clinical testing. Allele origin: germline.
Comment: This sequence change replaces glutamic acid, which is acidic and polar, with aspartic acid, which is acidic and polar, at codon 63 of the RIPK1 protein (p.Glu63Asp). This variant is not present in population databases (gnomAD no frequency). This variant has not been reported in the literature in individuals affected with RIPK1-related conditions. An algorithm developed to predict the effect of missense changes on protein structure and function (PolyPhen-2) suggests that this variant is likely to be disruptive. In summary, the available evidence is currently insufficient to determine the role of this variant in disease. Therefore, it has been classified as a Variant of Uncertain Significance.